The following is an entry in ClinVar:

NM_014937.4(INPP5F):c.2989A>G (p.Asn997Asp)

Gene: INPP5F (inositol polyphosphate-5-phosphatase F; plus strand). Cytogenetic location: 10q26.11.
Variant type: single nucleotide variant.
Coding change: c.2989A>G on transcript NM_014937.4 (MANE Select); coding-DNA position 2989, A replaced by G.
Protein change: p.Asn997Asp; replaces asparagine 997 with aspartic acid.
Molecular consequence: missense variant.
Genome position (GRCh38, 1-based): chr10:119,827,370, A>G. VCF-style: chr10-119827370-A-G. GRCh37 (hg19) VCF-style: chr10-121586882-A-G.
Other names: c.1159A>G, p.Asn387Asp (NM_001243194.2); short protein forms N387D, N997D.
Identifiers: ClinVar variation 1232724 (VCV001232724.4), dbSNP rs3188055, ClinGen allele CA5717456.

ClinVar aggregate classification (germline): Benign. Review status: criteria provided, multiple submitters, no conflicts (2 of 4 stars). 2 submissions from 2 submitters: Benign (2). Last evaluated 2019-01-10.

Allele frequency attached by ClinVar (database versions not stated): 1000 Genomes Project 30x 0.26780; 1000 Genomes Project 0.26897; ExAC 0.29270; gnomAD exomes 0.29380; TOPMed 0.30034; ESP Exome Variant Server 0.30855.
gnomAD v4.1: 525,758 of 1,613,804 alleles (33%); highest among the groups gnomAD compares: Non-Finnish European, 34%; 87,431 homozygotes.

Submissions (2):

GeneDx
Classification: Benign. Last evaluated: 2019-01-10. Review status: criteria provided, single submitter. Criteria: GeneDx Variant Classification Process June 2021. Collection method: clinical testing. Allele origin: germline. Affected: yes.
Comment: This variant is associated with the following publications: (PMID: 28296976)

Breakthrough Genomics
Classification: Benign. Review status: criteria provided, single submitter. Criteria: ACMG Guidelines, 2015. Collection method: not provided. Allele origin: germline. Inheritance: Unknown mechanism. Affected: yes.